The following is an entry in ClinVar:

NM_006343.3(MERTK):c.483-1G>C

Gene: MERTK (MER proto-oncogene, tyrosine kinase; plus strand). Cytogenetic location: 2q13.
Variant type: single nucleotide variant.
Coding change: c.483-1G>C on transcript NM_006343.3 (MANE Select); the canonical splice acceptor site of the intron before coding-DNA position 483, G replaced by C.
Molecular consequence: splice acceptor variant.
Genome position (GRCh38, 1-based): chr2:111,944,959, G>C. VCF-style: chr2-111944959-G-C. GRCh37 (hg19) VCF-style: chr2-112702536-G-C.
Identifiers: ClinVar variation 1467473 (VCV001467473.8), dbSNP rs1684937955, ClinGen allele CA348228327.
Genomic context (GRCh38, chr2:111,944,959, plus strand): 5'-TCCTATAATAGGAACTCAAAGGGTAGTCACTGTAAATATCTTCATGTGTTTTTCTTTGCA[G>C]CATAACCAGTGTGCAGCGTTCAGACAATGGGTCGTATATCTGTAAGATGAAAATAAACAA-3'

ClinVar aggregate classification (germline): Likely pathogenic (1 of 4 stars; one submission).

Allele frequency attached by ClinVar (database versions not stated): TOPMed below 0.00001.

Submission:

Labcorp Genetics (formerly Invitae), Labcorp
Classification: Likely pathogenic. Last evaluated: 2022-02-02. Review status: criteria provided, single submitter. Criteria: Invitae Variant Classification Sherloc (09022015). Collection method: clinical testing. Allele origin: germline.
Comment: This variant has not been reported in the literature in individuals affected with MERTK-related conditions. In summary, the currently available evidence indicates that the variant is pathogenic, but additional data are needed to prove that conclusively. Therefore, this variant has been classified as Likely Pathogenic. Algorithms developed to predict the effect of sequence changes on RNA splicing suggest that this variant may disrupt the consensus splice site. This variant is not present in population databases (gnomAD no frequency). This sequence change affects an acceptor splice site in intron 2 of the MERTK gene. It is expected to disrupt RNA splicing. Variants that disrupt the donor or acceptor splice site typically lead to a loss of protein function (PMID: 16199547), and loss-of-function variants in MERTK are known to be pathogenic (PMID: 24265693, 29659094).

Literature cited by the submitters: PubMed 16199547; PubMed 24265693; PubMed 29659094.